The following is an entry in ClinVar:

NM_000321.3(RB1):c.694C>T (p.Pro232Ser)

Gene: RB1 (RB transcriptional corepressor 1; plus strand). Cytogenetic location: 13q14.2.
Variant type: single nucleotide variant.
Coding change: c.694C>T on transcript NM_000321.3 (MANE Select); coding-DNA position 694, C replaced by T.
Protein change: p.Pro232Ser; replaces proline 232 with serine.
Molecular consequence: missense variant.
Genome position (GRCh38, 1-based): chr13:48,360,103, C>T. VCF-style: chr13-48360103-C-T. GRCh37 (hg19) VCF-style: chr13-48934239-C-T.
Other names: p.Pro232Ser; short protein forms P232S.
Identifiers: ClinVar variation 458178 (VCV000458178.22), dbSNP rs1195873978, ClinGen allele CA388158529.
Genomic context (GRCh38, chr13:48,360,103, plus strand): 5'-CTGGTGATTTCATTTCAGTTAATGCTATGTGTCCTTGACTATTTTATTAAACTCTCACCT[C>T]CCATGTTGCTCAAAGAACCATATAGTAAGTATTTAATTTATGCCCCTTTTACTTTCTCAT-3'
Protein context (NP_000312.2, residues 222-242): VLDYFIKLSP[Pro232Ser]MLLKEPYKTA

ClinVar aggregate classification (germline): Conflicting classifications of pathogenicity. Review status: criteria provided, conflicting classifications (1 of 4 stars). 7 submissions from 7 submitters: Uncertain significance (6); Benign (1). Last evaluated 2026-01-19.

Conditions:
Hereditary cancer-predisposing syndrome. Also called: Neoplastic Syndromes, Hereditary; Tumor predisposition; Hereditary Cancer Syndrome; Hereditary neoplastic syndrome. Identifiers: Orphanet 140162, MedGen C0027672, MeSH D009386, MONDO:0015356.
Malignant tumor of urinary bladder. Also called: Urinary Bladder Neoplasms; Bladder cancer; Urinary bladder cancer. Identifiers: MedGen C0005684, MONDO:0001187, OMIM 109800.
Retinoblastoma (RB1). Also called: RETINOBLASTOMA, SOMATIC. Identifiers: Orphanet 790, MedGen C0035335, MeSH D012175, MONDO:0008380, OMIM 180200, HP:0009919. Disease mechanism: loss of function. Inheritance: Both sporadic and heritable forms are tested..

Allele frequency attached by ClinVar (database versions not stated): gnomAD 0.00001; gnomAD exomes 0.00001; TOPMed 0.00001.

Submissions (7):

Labcorp Genetics (formerly Invitae), Labcorp
Classification: Benign for Retinoblastoma. Last evaluated: 2026-01-19. Review status: criteria provided, single submitter. Criteria: Invitae Variant Classification Sherloc (09022015). Collection method: clinical testing. Allele origin: germline.

Mayo Clinic Laboratories, Mayo Clinic
Classification: Uncertain significance. Last evaluated: 2025-02-28. Review status: criteria provided, single submitter. Criteria: ACMG Guidelines, 2015. Collection method: clinical testing. Allele origin: germline. Observed: 1 variant allele.

Ambry Genetics
Classification: Uncertain significance for Hereditary cancer-predisposing syndrome. Last evaluated: 2024-07-05. Review status: criteria provided, single submitter. Criteria: Ambry Variant Classification Scheme 2023. Collection method: clinical testing. Allele origin: germline.
Comment: The p.P232S variant (also known as c.694C>T), located in coding exon 7 of the RB1 gene, results from a C to T substitution at nucleotide position 694. The proline at codon 232 is replaced by serine, an amino acid with similar properties. This amino acid position is highly conserved in available vertebrate species. In addition, the in silico prediction for this alteration is inconclusive. Since supporting evidence is limited at this time, the clinical significance of this alteration remains unclear.

All of Us Research Program, National Institutes of Health
Classification: Uncertain significance for Retinoblastoma. Last evaluated: 2024-03-24. Review status: criteria provided, single submitter. Criteria: ACMG Guidelines, 2015. Collection method: clinical testing. Allele origin: germline. Inheritance: Autosomal dominant inheritance. Observed: 5 variant alleles, 5 heterozygotes.
Comment: This missense variant replaces proline with serine at codon 232 of the RB1 protein. Computational prediction is inconclusive regarding the impact of this variant on protein structure and function (internally defined REVEL score threshold 0.5 < inconclusive < 0.7, PMID: 27666373). To our knowledge, functional studies have not been reported for this variant. This variant has been reported in an individual affected with unilateral retinoblastoma (RB1-LOVD database: RB1_000978). This variant has been identified in 1/31338 chromosomes in the general population by the Genome Aggregation Database (gnomAD). The available evidence is insufficient to determine the role of this variant in disease conclusively. Therefore, this variant is classified as a Variant of Uncertain Significance.

This study involves interpretation of variants in research participants for the purpose of population health screening. Participant phenotype was not available at the time of variant classification. Additional details can be found in publication PMID: 35346344, PMCID: PMC8962531

Color Diagnostics, LLC DBA Color Health
Classification: Uncertain significance for Retinoblastoma. Last evaluated: 2024-03-06. Review status: criteria provided, single submitter. Criteria: ACMG Guidelines, 2015. Collection method: clinical testing. Allele origin: germline.
Comment: This missense variant replaces proline with serine at codon 232 of the RB1 protein. Computational prediction is inconclusive regarding the impact of this variant on protein structure and function. To our knowledge, functional studies have not been reported for this variant. This variant has been reported in an individual affected with unilateral retinoblastoma (RB1-LOVD database: RB1_000978). This variant has been identified in 1/31338 chromosomes in the general population by the Genome Aggregation Database (gnomAD). The available evidence is insufficient to determine the role of this variant in disease conclusively. Therefore, this variant is classified as a Variant of Uncertain Significance.

GeneDx
Classification: Uncertain significance. Last evaluated: 2023-10-13. Review status: criteria provided, single submitter. Criteria: GeneDx Variant Classification Process June 2021. Collection method: clinical testing. Allele origin: germline. Affected: yes.
Comment: Not observed at significant frequency in large population cohorts (gnomAD); In silico analysis supports that this missense variant does not alter protein structure/function; Has not been previously published as pathogenic or benign to our knowledge; This variant is associated with the following publications: (PMID: 23516486)

Baylor Genetics
Classification: Uncertain significance for Malignant tumor of urinary bladder. Last evaluated: 2023-08-21. Review status: criteria provided, single submitter. Criteria: ACMG Guidelines, 2015. Collection method: clinical testing. Allele origin: unknown.